The following is an entry in ClinVar:

ClinVar aggregate classification (germline): Pathogenic (1 of 4 stars; one submission).

Submission:

Quest Diagnostics Nichols Institute San Juan Capistrano
Classification: Pathogenic. Last evaluated: 2022-06-25. Review status: criteria provided, single submitter. Criteria: ACMG/ClinGen CNV Guidelines, 2019. Collection method: clinical testing. Allele origin: unknown.
Comment: The 2q37.3qter terminal deletion is associated with chromosome 2q37 deletion syndrome (OMIM 600430). Patients with chromosome 2q37 deletion syndrome show highly variable clinical manifestations likely resulting from different deletion sizes and gene contents. The common clinical features include Albright hereditary osteodystrophy (AHO)-like metacarpal/metatarsal shortening (brachymetaphalangism), variable degree of intellectual disability, facial dysmorphism, epilepsy, eczema, Wilm's tumor, and urogenital anomalies (Aldred et al 2004 J. Med. Genet. 41: 433-439. PMID: 15173228; Williams et al. Am J Hum Genet. 2010. Aug 13;87(2):219-28 PMID: 20691407; Fisch et al. Am J Med Genet A. 2016 Sep; 170(9):2282-91. PMID: 27282419; Doherty and Lacbawan. GeneReviews: 2q37 Microdeletion Syndrome.

GRCh37/hg19 2q37.3(chr2:240457943-242783384)x1

Genes: AGXT (alanine--glyoxylate aminotransferase; plus strand), ANKMY1 (ankyrin repeat and MYND domain containing 1; minus strand), ANO7 (anoctamin 7; plus strand), AQP12A (aquaporin 12A; plus strand), AQP12B (aquaporin 12B; minus strand) and 30 more. Cytogenetic location: 2q37.3.
Variant type: copy number loss.
Change: copy number 1 (one copy instead of two) of chr2:240,457,943-242,783,384 (2.33 Mb, GRCh37 coordinates, 1-based), cytogenetic band 2q37.3.
Identifiers: ClinVar variation 562656 (VCV000562656.2).